The following is an entry in ClinVar:

ClinVar aggregate classification (germline): Uncertain significance (1 of 4 stars; one submission).

Conditions:
Microcephaly-intellectual disability-sensorineural hearing loss-epilepsy-abnormal muscle tone syndrome (NEDHSB). Also called: NEURODEVELOPMENTAL DISORDER WITH HEARING LOSS, SEIZURES, AND BRAIN ABNORMALITIES. Identifiers: Orphanet 457351, MedGen C4225276, MONDO:0014698, OMIM 616577.

gnomAD v4.1: 11 of 1,613,170 alleles (0.00068%); highest among the groups gnomAD compares: Non-Finnish European, 0.00093%; no homozygotes.

Submission:

Labcorp Genetics (formerly Invitae), Labcorp
Classification: Uncertain significance for Microcephaly-intellectual disability-sensorineural hearing loss-epilepsy-abnormal muscle tone syndrome. Last evaluated: 2022-02-10. Review status: criteria provided, single submitter. Criteria: Invitae Variant Classification Sherloc (09022015). Collection method: clinical testing. Allele origin: germline.
Comment: This sequence change replaces leucine, which is neutral and non-polar, with phenylalanine, which is neutral and non-polar, at codon 509 of the SPATA5 protein (p.Leu509Phe). This variant is not present in population databases (gnomAD no frequency). This variant has not been reported in the literature in individuals affected with SPATA5-related conditions. ClinVar contains an entry for this variant (Variation ID: 850809). Advanced modeling of protein sequence and biophysical properties (such as structural, functional, and spatial information, amino acid conservation, physicochemical variation, residue mobility, and thermodynamic stability) performed at Invitae indicates that this missense variant is expected to disrupt SPATA5 protein function. In summary, the available evidence is currently insufficient to determine the role of this variant in disease. Therefore, it has been classified as a Variant of Uncertain Significance.

NM_145207.3(AFG2A):c.1525C>T (p.Leu509Phe)

Gene: AFG2A (AFG2 AAA ATPase homolog A; plus strand). Cytogenetic location: 4q28.1.
Variant type: single nucleotide variant.
Coding change: c.1525C>T on transcript NM_145207.3 (MANE Select); coding-DNA position 1525, C replaced by T.
Protein change: p.Leu509Phe; replaces leucine 509 with phenylalanine.
Molecular consequence: missense variant.
Genome position (GRCh38, 1-based): chr4:122,947,299, C>T. VCF-style: chr4-122947299-C-T. GRCh37 (hg19) VCF-style: chr4-123868454-C-T.
Other names: c.1522C>T, p.Leu508Phe (NM_001317799.2, NM_001345856.2); short protein forms L509F, L508F.
Identifiers: ClinVar variation 850809 (VCV000850809.4), dbSNP rs1730079067, ClinGen allele CA358108163.
Genomic context (GRCh38, chr4:122,947,299, plus strand): 5'-AGTGAAGGACAAGTGTTGGTTCTTGGGGCCACAAATCGCCCTCATGCCTTGGATGCTGCT[C>T]TCCGAAGACCTGGGCGATTTGATAAAGAGATTGAGATTGGAGTTCCCAATGCTCAGGACC-3'
Protein context (NP_660208.2, residues 499-519): TNRPHALDAA[Leu509Phe]RRPGRFDKEI